The following is an entry in ClinVar:

ClinVar aggregate classification (germline): Benign (1 of 4 stars; one submission).

gnomAD v4.1: 1,411 of 1,425,170 alleles (0.099%); highest among the groups gnomAD compares: South Asian, 1.2%; 14 homozygotes.

Submission:

CeGaT Center for Human Genetics Tuebingen
Classification: Benign. Last evaluated: 2026-02-01. Review status: criteria provided, single submitter. Criteria: CeGaT Center For Human Genetics Tuebingen Variant Classification Criteria Version 2. Collection method: clinical testing. Allele origin: germline. Affected: yes. Observed: 1 variant allele.
Comment: C12orf57: BS1, BS2

NM_001301834.1(C12orf57):c.-15-166G>A

Gene: C12orf57 (chromosome 12 open reading frame 57; plus strand). Cytogenetic location: 12p13.31.
Variant type: single nucleotide variant.
Coding change: c.-15-166G>A on transcript NM_001301834.1; 166 bases into the intron before 15 bases upstream of the start codon, G replaced by A.
Molecular consequence: intron variant.
Genome position (GRCh38, 1-based): chr12:6,943,941, G>A. VCF-style: chr12-6943941-G-A. GRCh37 (hg19) VCF-style: chr12-7053104-G-A.
Other names: c.13+279G>A (NM_001301836.2).
Identifiers: ClinVar variation 4822349 (VCV004822349.4).